The following is an entry in ClinVar:

NM_001754.5(RUNX1):c.877T>C (p.Ser293Pro)

Gene: RUNX1 (RUNX family transcription factor 1; minus strand). Cytogenetic location: 21q22.12.
Variant type: single nucleotide variant.
Coding change: c.877T>C on transcript NM_001754.5 (MANE Select); coding-DNA position 877, T replaced by C.
Protein change: p.Ser293Pro; replaces serine 293 with proline.
Molecular consequence: missense variant.
Genome position (GRCh38, 1-based): chr21:34,799,391, A>G on the plus strand (T>C on the coding strand, the complement: RUNX1 is on the minus strand). VCF-style: chr21-34799391-A-G. GRCh37 (hg19) VCF-style: chr21-36171688-A-G.
Other names: NM_001754.5(RUNX1):c.877T>C; p.Ser293Pro; c.796T>C, p.Ser266Pro (NM_001001890.3); short protein forms S266P, S293P.
Identifiers: ClinVar variation 2972103 (VCV002972103.5), dbSNP rs2056576503, ClinGen allele CA410150061.

ClinVar aggregate classification (germline): Uncertain significance. Review status: reviewed by expert panel (3 of 4 stars). 3 submissions from 3 submitters: Uncertain significance (1). 2 of the submissions do not count toward it. Last evaluated 2024-09-12.

Conditions:
Hereditary thrombocytopenia and hematologic cancer predisposition syndrome. Identifiers: Orphanet 71290, MedGen CN281654, MONDO:0011071.
Inborn genetic diseases. Identifiers: MedGen C0950123, MeSH D030342.
Hereditary thrombocytopenia and hematological cancer predisposition syndrome associated with RUNX1. Also called: RUNX1 Familial Platelet Disorder with Associated Myeloid Malignancies; Familial Platelet Disorder with Propensity to Acute Myelogenous Leukemia; Familial thrombocytopenia with propensity to acute myelogenous leukemia; PLATELET DISORDER, ASPIRIN-LIKE. Identifiers: Orphanet 71290, MedGen C1832388, MeSH C563324, MONDO:0100083, OMIM 601399.

Allele frequency attached by ClinVar (database versions not stated): gnomAD exomes below 0.00001; TOPMed below 0.00001.
gnomAD v4.1: 1 of 1,614,146 alleles (0.000062%); highest among the groups gnomAD compares: Non-Finnish European, 0.000085%; no homozygotes.

Submissions (3):

ClinGen Myeloid Malignancy Variant Curation Expert Panel
Classification: Uncertain significance for Hereditary thrombocytopenia and hematologic cancer predisposition syndrome. Last evaluated: 2024-09-12. Review status: reviewed by expert panel. Criteria: ClinGen MyeloMalig ACMG Specifications v2. Collection method: curation. Allele origin: germline. Inheritance: Autosomal dominant inheritance.
Comment: NM_001754.5(RUNX1):c.877T>C (p.Ser293Pro) is a missense variant which is completely absent from gnomAD 2.0 with at least 20x coverage for RUNX1 (PM2_supporting). This missense variant has a REVEL score <0.50 (0.212) and a SpliceAI score ≤0.20 (0.01) (BP4). In summary, the clinical significance of this variant is uncertain. ACMG/AMP criteria applied, as specified by the Myeloid Malignancy Variant Curation Expert Panel for RUNX1: BP4, PM2_supporting.

Ambry Genetics
Classification: Uncertain significance for Inborn genetic diseases. Last evaluated: 2025-10-01. Review status: criteria provided, single submitter. Criteria: Ambry Variant Classification Scheme 2023. Collection method: clinical testing. Allele origin: germline. Not counted in ClinVar's aggregate classification.
Comment: The p.S293P variant (also known as c.877T>C), located in coding exon 7 of the RUNX1 gene, results from a T to C substitution at nucleotide position 877. The serine at codon 293 is replaced by proline, an amino acid with similar properties. This amino acid position is conserved. In addition, this alteration is predicted to be tolerated by in silico analysis. Based on the available evidence, the clinical significance of this variant remains unclear.

Labcorp Genetics (formerly Invitae), Labcorp
Classification: Uncertain significance for Hereditary thrombocytopenia and hematological cancer predisposition syndrome associated with RUNX1. Last evaluated: 2023-06-14. Review status: criteria provided, single submitter. Criteria: Invitae Variant Classification Sherloc (09022015). Collection method: clinical testing. Allele origin: germline. Not counted in ClinVar's aggregate classification.
Comment: This sequence change replaces serine, which is neutral and polar, with proline, which is neutral and non-polar, at codon 293 of the RUNX1 protein (p.Ser293Pro). This variant is not present in population databases (gnomAD no frequency). This variant has not been reported in the literature in individuals affected with RUNX1-related conditions. Advanced modeling of protein sequence and biophysical properties (such as structural, functional, and spatial information, amino acid conservation, physicochemical variation, residue mobility, and thermodynamic stability) performed at Invitae indicates that this missense variant is not expected to disrupt RUNX1 protein function. In summary, the available evidence is currently insufficient to determine the role of this variant in disease. Therefore, it has been classified as a Variant of Uncertain Significance.